The following is an entry in ClinVar:

ClinVar aggregate classification (germline): Uncertain significance. Review status: criteria provided, multiple submitters, no conflicts (2 of 4 stars). 6 submissions from 6 submitters: Uncertain significance (6). Last evaluated 2025-07-01.

Conditions:
Inborn genetic diseases. Identifiers: MedGen C0950123, MeSH D030342.
Autosomal recessive spastic paraplegia type 78. Identifiers: Orphanet 513436, MedGen C5567893, MONDO:0014975, OMIM 617225.
Kufor-Rakeb syndrome (KRS). Also called: PARKINSON DISEASE 9, AUTOSOMAL RECESSIVE, JUVENILE-ONSET. Identifiers: Orphanet 306674, Orphanet 314632, MedGen C1847640, MONDO:0011706, OMIM 606693.

Allele frequency attached by ClinVar (database versions not stated): gnomAD exomes 0.00006 and 0.00009; TOPMed 0.00006; gnomAD 0.00009 and 0.00010; ExAC 0.00015; ESP Exome Variant Server 0.00015.
gnomAD v4.1: 96 of 1,612,220 alleles (0.006%); highest among the groups gnomAD compares: Non-Finnish European, 0.0075%; no homozygotes.

Submissions (6):

CeGaT Center for Human Genetics Tuebingen
Classification: Uncertain significance. Last evaluated: 2025-07-01. Review status: criteria provided, single submitter. Criteria: CeGaT Center For Human Genetics Tuebingen Variant Classification Criteria Version 2. Collection method: clinical testing. Allele origin: germline. Affected: yes. Observed: 5 variant alleles.
Comment: ATP13A2: PM2

Blueprint Genetics
Classification: Uncertain significance. Last evaluated: 2024-11-21. Review status: criteria provided, single submitter. Criteria: ACMG Guidelines, 2015. Collection method: clinical testing. Allele origin: germline.

Labcorp Genetics (formerly Invitae), Labcorp
Classification: Uncertain significance for Kufor-Rakeb syndrome; Autosomal recessive spastic paraplegia type 78. Last evaluated: 2024-01-22. Review status: criteria provided, single submitter. Criteria: Invitae Variant Classification Sherloc (09022015). Collection method: clinical testing. Allele origin: germline.
Comment: This sequence change replaces lysine, which is basic and polar, with arginine, which is basic and polar, at codon 280 of the ATP13A2 protein (p.Lys280Arg). This variant is present in population databases (rs148094721, gnomAD 0.02%). This variant has not been reported in the literature in individuals affected with ATP13A2-related conditions. ClinVar contains an entry for this variant (Variation ID: 806074). An algorithm developed to predict the effect of missense changes on protein structure and function (PolyPhen-2) suggests that this variant¬†is likely to be tolerated. In summary, the available evidence is currently insufficient to determine the role of this variant in disease. Therefore, it has been classified as a Variant of Uncertain Significance.

Ambry Genetics
Classification: Uncertain significance for Inborn genetic diseases. Last evaluated: 2023-10-13. Review status: criteria provided, single submitter. Criteria: Ambry Variant Classification Scheme 2023. Collection method: clinical testing. Allele origin: germline.

Fulgent Genetics
Classification: Uncertain significance for Kufor-Rakeb syndrome; Autosomal recessive spastic paraplegia type 78. Last evaluated: 2022-04-21. Review status: criteria provided, single submitter. Criteria: ACMG Guidelines, 2015. Collection method: clinical testing. Allele origin: unknown.

Institute of Human Genetics, University of Leipzig Medical Center
Classification: Uncertain significance for Kufor-Rakeb syndrome. Last evaluated: 2019-01-01. Review status: criteria provided, single submitter. Criteria: ACMG Guidelines, 2015. Collection method: clinical testing. Allele origin: unknown. Affected: yes.

NM_022089.4(ATP13A2):c.839A>G (p.Lys280Arg)

Gene: ATP13A2 (ATPase cation transporting 13A2; minus strand). Cytogenetic location: 1p36.13.
Variant type: single nucleotide variant.
Coding change: c.839A>G on transcript NM_022089.4 (MANE Select); coding-DNA position 839, A replaced by G.
Protein change: p.Lys280Arg; replaces lysine 280 with arginine.
Molecular consequence: missense variant.
Genome position (GRCh38, 1-based): chr1:17,000,401, T>C on the plus strand (A>G on the coding strand, the complement: ATP13A2 is on the minus strand). VCF-style: chr1-17000401-T-C. GRCh37 (hg19) VCF-style: chr1-17326896-T-C.
Other names: c.824A>G, p.Lys275Arg (NM_001141973.3, NM_001141974.3); c.839A>G (NM_022089.2); short protein forms K275R, K280R.
Identifiers: ClinVar variation 806074 (VCV000806074.48), dbSNP rs148094721, ClinGen allele CA637481.